The following is an entry in ClinVar:

NM_003070.5(SMARCA2):c.*181C>T

Gene: SMARCA2 (SWI/SNF related BAF chromatin remodeling complex subunit ATPase 2; plus strand). Cytogenetic location: 9p24.3.
Variant type: single nucleotide variant.
Coding change: c.*181C>T on transcript NM_003070.5 (MANE Select); 181 bases downstream of the stop codon, C replaced by T.
Molecular consequence: 3 prime UTR variant.
Genome position (GRCh38, 1-based): chr9:2,192,920, C>T. VCF-style: chr9-2192920-C-T. GRCh37 (hg19) VCF-style: chr9-2192920-C-T.
Other names: c.*181C>T (NM_001289396.2, NM_001289397.2, NM_001289398.2 and 3 more transcripts).
Identifiers: ClinVar variation 366333 (VCV000366333.6), dbSNP rs180701505, ClinGen allele CA10633270.

ClinVar aggregate classification (germline): Benign. Review status: criteria provided, multiple submitters, no conflicts (2 of 4 stars). 2 submissions from 2 submitters: Benign (2). Last evaluated 2018-01-13.

Conditions:
Nicolaides-Baraitser syndrome (NCBRS). Also called: SMARCA2-Related Nicolaides-Baraitser Syndrome; Intellectual disability-sparse hair-brachydactyly syndrome. Identifiers: Orphanet 3051, MedGen C1303073, MONDO:0011053, OMIM 601358.

Allele frequency attached by ClinVar (database versions not stated): gnomAD exomes 0.00133; gnomAD 0.00218 and 0.00230; TOPMed 0.00436; 1000 Genomes Project 0.00539; 1000 Genomes Project 30x 0.00609.
gnomAD v4.1: 898 of 563,744 alleles (0.16%); highest among the groups gnomAD compares: Admixed American, 2.8%; 29 homozygotes.

Submissions (2):

Illumina Laboratory Services, Illumina
Classification: Benign for Nicolaides-Baraitser syndrome. Last evaluated: 2018-01-13. Review status: criteria provided, single submitter. Criteria: ICSL Variant Classification Criteria 13 December 2019. Collection method: clinical testing. Allele origin: germline.
Comment: This variant was observed in the ICSL laboratory as part of a predisposition screen in an ostensibly healthy population. It had not been previously curated by ICSL or reported in the Human Gene Mutation Database (HGMD: prior to June 1st, 2018), and was therefore a candidate for classification through an automated scoring system. Utilizing variant allele frequency, disease prevalence and penetrance estimates, and inheritance mode, an automated score was calculated to assess if this variant is too frequent to cause the disease. Based on the score and internal cut-off values, a variant classified as benign is not then subjected to further curation. The score for this variant resulted in a classification of benign for this disease.

Breakthrough Genomics
Classification: Benign. Review status: criteria provided, single submitter. Criteria: ACMG Guidelines, 2015. Collection method: not provided. Allele origin: germline. Inheritance: Autosomal dominant inheritance. Affected: yes.